The following is an entry in ClinVar:

NM_003239.5(TGFB3):c.865G>A (p.Asp289Asn)

Gene: TGFB3 (transforming growth factor beta 3; minus strand). Cytogenetic location: 14q24.3.
Variant type: single nucleotide variant.
Coding change: c.865G>A on transcript NM_003239.5 (MANE Select); coding-DNA position 865, G replaced by A.
Protein change: p.Asp289Asn; replaces aspartic acid 289 with asparagine.
Molecular consequence: missense variant.
Genome position (GRCh38, 1-based): chr14:75,963,377, C>T on the plus strand (G>A on the coding strand, the complement: TGFB3 is on the minus strand). VCF-style: chr14-75963377-C-T. GRCh37 (hg19) VCF-style: chr14-76429720-C-T.
Other names: c.865G>A, p.Asp289Asn (NM_001329938.2, NM_001329939.2); c.865G>A (NM_003239.4); short protein forms D289N.
Identifiers: ClinVar variation 1764216 (VCV001764216.12), dbSNP rs777949995, ClinGen allele CA7280324.
Genomic context (GRCh38, chr14:75,963,377, plus strand): 5'-GGAAGCAGTAATTGGTGTCCAAAGCCCGCTTCTTCCTCTGACCCCCCTGGCCCGGGTTGT[C>T]GAGCCGGTGTGGGGGAATCATCATGAGGATTAGATGAGGGTTGTGGTGATCCTTCTGCTT-3'
Protein context (NP_003230.1, residues 279-299): ILMMIPPHRL[Asp289Asn]NPGQGGQRKK

ClinVar aggregate classification (germline): Conflicting classifications of pathogenicity. Review status: criteria provided, conflicting classifications (1 of 4 stars). 6 submissions from 6 submitters: Uncertain significance (5); Likely benign (1). Last evaluated 2026-05-26.

Conditions:
Rienhoff syndrome. Also called: LOEYS-DIETZ SYNDROME 5. Identifiers: MedGen C3810012, MONDO:0014262, OMIM 615582.
Familial thoracic aortic aneurysm and aortic dissection (TAAD). Also called: Thoracic aortic aneurysms and dissections. Identifiers: Orphanet 91387, MedGen C4707243, MONDO:0019625.
TGFB3-related disorder. Also called: TGFB3-related condition.

Allele frequency attached by ClinVar (database versions not stated): gnomAD exomes 0.00002; gnomAD 0.00003; TOPMed 0.00003; ExAC 0.00007.
gnomAD v4.1: 37 of 1,614,036 alleles (0.0023%); highest among the groups gnomAD compares: African/African-American, 0.0027%; no homozygotes.

Submissions (6):

Women's Health and Genetics/Laboratory Corporation of America, LabCorp
Classification: Uncertain significance. Last evaluated: 2026-05-26. Review status: criteria provided, single submitter. Criteria: LabCorp Variant Classification Summary - May 2015. Collection method: clinical testing. Allele origin: germline.
Comment: Variant summary: TGFB3 c.865G>A (p.Asp289Asn) results in a conservative amino acid change in the encoded protein sequence. Algorithms developed to predict the effect of missense changes on protein structure and function are either unavailable or do not agree on the potential impact of this missense change. The variant allele was found at a frequency of 3.6e-05 in 251414 control chromosomes. The available data on variant occurrences in the general population are insufficient to allow any conclusion about variant significance. To our knowledge, no occurrence of c.865G>A in individuals affected with TGFB3-related conditions and no experimental evidence demonstrating its impact on protein function have been reported. ClinVar contains an entry for this variant (Variation ID: 1764216). Based on the evidence outlined above, the variant was classified as uncertain significance.

Labcorp Genetics (formerly Invitae), Labcorp
Classification: Uncertain significance for Rienhoff syndrome. Last evaluated: 2025-09-28. Review status: criteria provided, single submitter. Criteria: Invitae Variant Classification Sherloc (09022015). Collection method: clinical testing. Allele origin: germline.
Comment: This sequence change replaces aspartic acid, which is acidic and polar, with asparagine, which is neutral and polar, at codon 289 of the TGFB3 protein (p.Asp289Asn). This variant is present in population databases (rs777949995, gnomAD 0.006%). This variant has not been reported in the literature in individuals affected with TGFB3-related conditions. ClinVar contains an entry for this variant (Variation ID: 1764216). An algorithm developed to predict the effect of missense changes on protein structure and function (PolyPhen-2) suggests that this variant is likely to be tolerated. In summary, the available evidence is currently insufficient to determine the role of this variant in disease. Therefore, it has been classified as a Variant of Uncertain Significance.

Ambry Genetics
Classification: Uncertain significance for Familial thoracic aortic aneurysm and aortic dissection. Last evaluated: 2025-08-29. Review status: criteria provided, single submitter. Criteria: Ambry Variant Classification Scheme 2023. Collection method: clinical testing. Allele origin: germline.

Blueprint Genetics
Classification: Likely benign. Last evaluated: 2024-08-22. Review status: criteria provided, single submitter. Criteria: ACMG Guidelines, 2015. Collection method: clinical testing. Allele origin: germline.

PreventionGenetics, part of Exact Sciences
Classification: Uncertain significance for TGFB3-related condition. Last evaluated: 2023-09-25. Review status: criteria provided, single submitter. Criteria: ACMG Guidelines, 2015. Collection method: clinical testing. Allele origin: germline.
Comment: The TGFB3 c.865G>A variant is predicted to result in the amino acid substitution p.Asp289Asn. To our knowledge, this variant has not been reported in the literature. This variant is reported in 0.0079% of alleles in individuals of European (Non-Finnish) descent in gnomAD. At this time, the clinical significance of this variant is uncertain due to the absence of conclusive functional and genetic evidence.

GeneDx
Classification: Uncertain significance. Last evaluated: 2022-09-09. Review status: criteria provided, single submitter. Criteria: GeneDx Variant Classification Process June 2021. Collection method: clinical testing. Allele origin: germline. Affected: yes.
Comment: In silico analysis supports that this missense variant does not alter protein structure/function; Has not been previously published as pathogenic or benign to our knowledge